The following is an entry in ClinVar:

NM_000030.3(AGXT):c.172G>A (p.Asp58Asn)

Gene: AGXT (alanine--glyoxylate aminotransferase; plus strand). Cytogenetic location: 2q37.3.
Variant type: single nucleotide variant.
Coding change: c.172G>A on transcript NM_000030.3 (MANE Select); coding-DNA position 172, G replaced by A.
Protein change: p.Asp58Asn; replaces aspartic acid 58 with asparagine.
Molecular consequence: missense variant.
Genome position (GRCh38, 1-based): chr2:240,869,176, G>A. VCF-style: chr2-240869176-G-A. GRCh37 (hg19) VCF-style: chr2-241808593-G-A.
Other names: short protein forms D58N.
Identifiers: ClinVar variation 950757 (VCV000950757.5), dbSNP rs774651961, ClinGen allele CA2209029.
Genomic context (GRCh38, chr2:240,869,176, plus strand): 5'-CCTCACTTGGGGAGGCGGGGAGCCTGGGTCTCACCCTATACCACCCGCATGCAGATCATG[G>A]ACGAGATCAAGGAAGGCATCCAGTACGTGTTCCAGACCAGGAACCCACTCACACTGGTCA-3'
Protein context (NP_000021.1, residues 48-68): SMSKDMYQIM[Asp58Asn]EIKEGIQYVF

ClinVar aggregate classification (germline): Uncertain significance. Review status: criteria provided, single submitter (1 of 4 stars). 2 submissions from 2 submitters: Uncertain significance (1). 1 of the submissions does not count toward it. Last evaluated 2021-09-01.

Conditions:
Primary hyperoxaluria, type I (HP1). Also called: Primary hyperoxaluria type 1; GLYCOLIC ACIDURIA; HEPATIC AGT DEFICIENCY; OXALOSIS I. Identifiers: Orphanet 416, Orphanet 93598, MedGen C0268164, MONDO:0009823, OMIM 259900. Disease mechanism: loss of function.

Allele frequency attached by ClinVar (database versions not stated): TOPMed below 0.00001; gnomAD 0.00001; gnomAD exomes 0.00001; ExAC 0.00002.
gnomAD v4.1: 4 of 1,481,042 alleles (0.00027%); highest among the groups gnomAD compares: Admixed American, 0.0073%; no homozygotes.

Submissions (2):

Labcorp Genetics (formerly Invitae), Labcorp
Classification: Uncertain significance. Last evaluated: 2021-09-01. Review status: criteria provided, single submitter. Criteria: Invitae Variant Classification Sherloc (09022015). Collection method: clinical testing. Allele origin: germline.
Comment: This sequence change replaces aspartic acid with asparagine at codon 58 of the AGXT protein (p.Asp58Asn). The aspartic acid residue is moderately conserved and there is a small physicochemical difference between aspartic acid and asparagine. This variant is present in population databases (rs774651961, ExAC 0.02%). This variant has not been reported in the literature in individuals affected with AGXT-related conditions. Algorithms developed to predict the effect of missense changes on protein structure and function (SIFT, PolyPhen-2, Align-GVGD) all suggest that this variant is likely to be tolerated. In summary, the available evidence is currently insufficient to determine the role of this variant in disease. Therefore, it has been classified as a Variant of Uncertain Significance.

Natera, Inc.
Classification: Uncertain significance for Primary hyperoxaluria type I. Last evaluated: 2020-08-05. Review status: no assertion criteria provided. Collection method: clinical testing. Allele origin: germline. Not counted in ClinVar's aggregate classification.